The following is an entry in ClinVar:

NM_002382.5(MAX):c.363C>A (p.Ser121Arg)

Gene: MAX (MYC associated transcriptional regulator X; minus strand). Cytogenetic location: 14q23.3.
Variant type: single nucleotide variant.
Coding change: c.363C>A on transcript NM_002382.5 (MANE Select); coding-DNA position 363, C replaced by A.
Protein change: p.Ser121Arg; replaces serine 121 with arginine.
Molecular consequence: missense variant. On other transcripts: 3 prime UTR variant (1), intron variant (2).
Genome position (GRCh38, 1-based): chr14:65,076,596, G>T on the plus strand (C>A on the coding strand, the complement: MAX is on the minus strand). VCF-style: chr14-65076596-G-T. GRCh37 (hg19) VCF-style: chr14-65543314-G-T.
Other names: c.174C>A, p.Ser58Arg (NM_001320415.2, NM_001407105.1, NM_001407106.1 and 1 more transcripts); c.363C>A, p.Ser121Arg (NM_001407094.1); c.336C>A, p.Ser112Arg (NM_001407095.1, NM_145112.3); c.*136C>A (NM_001407096.1, NM_001407099.1, NM_001407102.1 and 2 more transcripts); c.*152C>A (NM_001407097.1, NM_001407100.1, NM_001407101.1 and 4 more transcripts); c.255C>A, p.Ser85Arg (NM_001407098.1); c.162C>A, p.Ser54Arg (NM_001407111.1, NM_001407112.1); c.144+17112C>A (NM_001271069.2); and 1 more; short protein forms S54R, S58R, S112R, S121R, S85R.
Identifiers: ClinVar variation 1733472 (VCV001733472.2), dbSNP rs2139740893, ClinGen allele CA390031783.

ClinVar aggregate classification (germline): Uncertain significance (1 of 4 stars; one submission).

Conditions:
Hereditary cancer-predisposing syndrome. Also called: Neoplastic Syndromes, Hereditary; Tumor predisposition; Hereditary Cancer Syndrome; Hereditary neoplastic syndrome. Identifiers: Orphanet 140162, MedGen C0027672, MeSH D009386, MONDO:0015356.

Submission:

Ambry Genetics
Classification: Uncertain significance for Hereditary cancer-predisposing syndrome. Last evaluated: 2021-03-26. Review status: criteria provided, single submitter. Criteria: Ambry Variant Classification Scheme 2023. Collection method: clinical testing. Allele origin: germline.
Comment: The p.S121R variant (also known as c.363C>A), located in coding exon 5 of the MAX gene, results from a C to A substitution at nucleotide position 363. The serine at codon 121 is replaced by arginine, an amino acid with dissimilar properties. This amino acid position is well conserved in available vertebrate species. In addition, this alteration is predicted to be tolerated by in silico analysis. Since supporting evidence is limited at this time, the clinical significance of this alteration remains unclear.